The following is an entry in ClinVar:

ClinVar aggregate classification (germline): Pathogenic (1 of 4 stars; one submission).

Conditions:
Hereditary cancer-predisposing syndrome. Also called: Neoplastic Syndromes, Hereditary; Tumor predisposition; Hereditary Cancer Syndrome; Hereditary neoplastic syndrome. Identifiers: Orphanet 140162, MedGen C0027672, MeSH D009386, MONDO:0015356.

Submission:

Color Diagnostics, LLC DBA Color Health
Classification: Pathogenic for Hereditary cancer-predisposing syndrome. Last evaluated: 2020-01-15. Review status: criteria provided, single submitter. Criteria: ACMG Guidelines, 2015. Collection method: clinical testing. Allele origin: germline.
Comment: This variant inserts 1 nucleotide in exon 13 of the BRCA1 gene, creating a frameshift and premature translation stop signal. This variant is expected to result in an absent or non-functional protein product. This variant has not been identified in the general population by the Genome Aggregation Database (gnomAD). Loss of BRCA1 function is a known mechanism of disease. Based on the available evidence, this variant is classified as Pathogenic.

NM_007294.4(BRCA1):c.4438dup (p.Ser1480fs)

Gene: BRCA1 (BRCA1 DNA repair associated; minus strand). Cytogenetic location: 17q21.31.
Variant type: Duplication.
Coding change: c.4438dup on transcript NM_007294.4 (MANE Select); coding-DNA position 4438, one base duplicated (T; older notation c.4438dupT).
Protein change: p.Ser1480fs; shifts the reading frame from serine 1480.
Molecular consequence: frameshift variant. On other transcripts: non-coding transcript variant (1).
Genome position (GRCh38, 1-based): chr17:43,076,534, A duplicated on the plus strand (T on the coding strand, the reverse complement: BRCA1 is on the minus strand). VCF-style (leftmost placement, unchanged base first): chr17-43076533-G-GA. GRCh37 (hg19) VCF-style: chr17-41228550-G-GA.
Other names: c.1192dup, p.Ser398Phefs (NM_001407972.1); c.1129dup, p.Ser377Phefs (NM_001407973.1, NM_001407974.1, NM_001407976.1 and 3 more transcripts); c.4435dup, p.Ser1479Phefs (NM_001407623.1, NM_001407624.1, NM_001407625.1 and 17 more transcripts); c.1126dup, p.Ser376Phefs (NM_001407979.1, NM_001408472.1, NM_007298.4 and 12 more transcripts); c.4432dup, p.Ser1478Phefs (NM_001407627.1, NM_001407628.1, NM_001407629.1 and 14 more transcripts); c.1003dup, p.Ser335Phefs (NM_001408436.1, NM_001408437.1, NM_001408438.1 and 10 more transcripts); c.4225dup, p.Ser1409Phefs (NM_001407571.1, NM_001407894.1, NM_001407895.1 and 12 more transcripts); c.4504dup, p.Ser1502Phefs (NM_001407581.1, NM_001407582.1); and 71 more; short protein forms S1433fs, S1480fs, S1501fs, S376fs.
Identifiers: ClinVar variation 922196 (VCV000922196.4), dbSNP rs2052727486, ClinGen allele CA913188854.